The following is an entry in ClinVar:

NM_006393.3(NEBL):c.2174G>C (p.Arg725Thr)

Gene: NEBL (nebulette; minus strand). Cytogenetic location: 10p12.31.
Variant type: single nucleotide variant.
Coding change: c.2174G>C on transcript NM_006393.3 (MANE Select); coding-DNA position 2174, G replaced by C.
Protein change: p.Arg725Thr; replaces arginine 725 with threonine.
Molecular consequence: missense variant. On other transcripts: intron variant (9).
Genome position (GRCh38, 1-based): chr10:20,815,692, C>G on the plus strand (G>C on the coding strand, the complement: NEBL is on the minus strand). VCF-style: chr10-20815692-C-G. GRCh37 (hg19) VCF-style: chr10-21104621-C-G.
Other names: c.250-2752G>C (NM_001377326.1, NM_001377327.1, NM_001377328.1); c.358-2752G>C (NM_213569.2, NM_001173484.2, NM_001377322.1); c.301-2752G>C (NM_001377324.1); c.292-2752G>C (NM_001377325.1); c.310-2752G>C (NM_001377323.1); short protein forms R725T.
Identifiers: ClinVar variation 1431608 (VCV001431608.10), dbSNP rs772956028, ClinGen allele CA5432572.

ClinVar aggregate classification (germline): Uncertain significance. Review status: criteria provided, multiple submitters, no conflicts (2 of 4 stars). 2 submissions from 2 submitters: Uncertain significance (2). Last evaluated 2023-04-25.

Conditions:
Primary dilated cardiomyopathy (DCM). Also called: Dilated Cardiomyopathy. Identifiers: Orphanet 217604, MedGen C0007193, MeSH D002311, MONDO:0005021, HP:0001644. Inheritance: Various modes of inheritance.

Allele frequency attached by ClinVar (database versions not stated): ExAC 0.00001; gnomAD 0.00001; gnomAD exomes 0.00001 and 0.00002; TOPMed 0.00001.
gnomAD v4.1: 11 of 1,610,712 alleles (0.00068%); highest among the groups gnomAD compares: Non-Finnish European, 0.00085%; no homozygotes.

Submissions (2):

Labcorp Genetics (formerly Invitae), Labcorp
Classification: Uncertain significance for Primary dilated cardiomyopathy. Last evaluated: 2023-04-25. Review status: criteria provided, single submitter. Criteria: Invitae Variant Classification Sherloc (09022015). Collection method: clinical testing. Allele origin: germline.
Comment: This variant is present in population databases (rs772956028, gnomAD 0.005%). In summary, the available evidence is currently insufficient to determine the role of this variant in disease. Therefore, it has been classified as a Variant of Uncertain Significance. An algorithm developed to predict the effect of missense changes on protein structure and function (PolyPhen-2) suggests that this variant is likely to be tolerated. ClinVar contains an entry for this variant (Variation ID: 1431608). This variant has not been reported in the literature in individuals affected with NEBL-related conditions. This sequence change replaces arginine, which is basic and polar, with threonine, which is neutral and polar, at codon 725 of the NEBL protein (p.Arg725Thr).

Ambry Genetics
Classification: Uncertain significance. Last evaluated: 2021-09-07. Review status: criteria provided, single submitter. Criteria: Ambry Variant Classification Scheme 2023. Collection method: clinical testing. Allele origin: germline.
Comment: The p.R725T variant (also known as c.2174G>C), located in coding exon 22 of the NEBL gene, results from a G to C substitution at nucleotide position 2174. The arginine at codon 725 is replaced by threonine, an amino acid with similar properties. This amino acid position is conserved. In addition, this alteration is predicted to be tolerated by in silico analysis. Since supporting evidence is limited at this time, the clinical significance of this alteration remains unclear.